The following is an entry in ClinVar:

NM_002768.5(CHMP1A):c.*7C>T

Gene: CHMP1A (charged multivesicular body protein 1A; minus strand). Cytogenetic location: 16q24.3.
Variant type: single nucleotide variant.
Coding change: c.*7C>T on transcript NM_002768.5 (MANE Select); 7 bases downstream of the stop codon, C replaced by T.
Molecular consequence: 3 prime UTR variant. On other transcripts: missense variant (1), non-coding transcript variant (1).
Genome position (GRCh38, 1-based): chr16:89,646,059, G>A on the plus strand (C>T on the coding strand, the complement: CHMP1A is on the minus strand). VCF-style: chr16-89646059-G-A. GRCh37 (hg19) VCF-style: chr16-89712467-G-A.
Other names: c.578C>T, p.Pro193Leu (NM_001083314.4); short protein forms P193L.
Identifiers: ClinVar variation 389909 (VCV000389909.2), dbSNP rs768229451, ClinGen allele CA8246916.

ClinVar aggregate classification (germline): Likely benign. Review status: criteria provided, multiple submitters, no conflicts (2 of 4 stars). 2 submissions from 2 submitters: Likely benign (2). Last evaluated 2016-10-12.

Allele frequency attached by ClinVar (database versions not stated): ExAC 0.00010; gnomAD 0.00010 and 0.00011; TOPMed 0.00011; gnomAD exomes 0.00015.

Submissions (2):

GeneDx
Classification: Likely benign. Last evaluated: 2016-10-12. Review status: criteria provided, single submitter. Criteria: GeneDx Variant Classification (06012015). Collection method: clinical testing. Allele origin: germline. Affected: yes.
Comment: This variant is considered likely benign or benign based on one or more of the following criteria: it is a conservative change, it occurs at a poorly conserved position in the protein, it is predicted to be benign by multiple in silico algorithms, and/or has population frequency not consistent with disease.

Breakthrough Genomics
Classification: Likely benign. Review status: criteria provided, single submitter. Criteria: ACMG Guidelines, 2015. Collection method: not provided. Allele origin: germline. Inheritance: Autosomal recessive inheritance. Affected: yes.